The following is an entry in ClinVar:

NM_000038.6(APC):c.3950A>G (p.Glu1317Gly)

Gene: APC (APC regulator of Wnt signaling pathway; plus strand). Cytogenetic location: 5q22.2.
Variant type: single nucleotide variant.
Coding change: c.3950A>G on transcript NM_000038.6 (MANE Select); coding-DNA position 3950, A replaced by G.
Protein change: p.Glu1317Gly; replaces glutamic acid 1317 with glycine.
Molecular consequence: missense variant.
Genome position (GRCh38, 1-based): chr5:112,839,544, A>G. VCF-style: chr5-112839544-A-G. GRCh37 (hg19) VCF-style: chr5-112175241-A-G.
Other names: NM_000038.6(APC):c.3950A>G; p.Glu1317Gly; c.3950A>G, p.Glu1317Gly (NM_001127510.3, NM_001354895.2); c.3896A>G, p.Glu1299Gly (NM_001127511.3); c.4004A>G, p.Glu1335Gly (NM_001354896.2); c.3980A>G, p.Glu1327Gly (NM_001354897.2); c.3875A>G, p.Glu1292Gly (NM_001354898.2); c.3866A>G, p.Glu1289Gly (NM_001354899.2); and 7 more; short protein forms E1034G, E1157G, E1191G, E1216G, E1226G, E1258G, E1276G, E1289G.
Identifiers: ClinVar variation 1319598 (VCV001319598.14), dbSNP rs2149902681, ClinGen allele CA16029995.
Genomic context (GRCh38, chr5:112,839,544, plus strand): 5'-ATTCTGCTAATACCCTGCAAATAGCAGAAATAAAAGAAAAGATTGGAACTAGGTCAGCTG[A>G]AGATCCTGTGAGCGAAGTTCCAGCAGTGTCACAGCACCCTAGAACCAAATCCAGCAGACT-3'
Protein context (NP_000029.2, residues 1307-1327): IKEKIGTRSA[Glu1317Gly]DPVSEVPAVS

ClinVar aggregate classification (germline): Uncertain significance. Review status: reviewed by expert panel (3 of 4 stars). 4 submissions from 4 submitters: Uncertain significance (1). 3 of the submissions do not count toward it. Last evaluated 2025-05-16.

Conditions:
Hereditary cancer-predisposing syndrome. Also called: Hereditary neoplastic syndrome; Neoplastic Syndromes, Hereditary; Tumor predisposition; Hereditary Cancer Syndrome. Identifiers: Orphanet 140162, MedGen C0027672, MeSH D009386, MONDO:0015356.
Familial adenomatous polyposis 1 (FAP1). Also called: POLYPOSIS, ADENOMATOUS INTESTINAL; FAMILIAL ADENOMATOUS POLYPOSIS 1, ATTENUATED. Identifiers: MedGen C2713442, MONDO:0021056, OMIM 175100. Disease mechanism: loss of function.

gnomAD v4.1: 1 of 1,614,184 alleles (0.000062%); highest among the groups gnomAD compares: South Asian, 0.0011%; no homozygotes.

Submissions (4):

ClinGen InSiGHT Hereditary Colorectal Cancer/Polyposis Variant Curation Expert Panel
Classification: Uncertain significance for Familial adenomatous polyposis 1. Last evaluated: 2025-05-16. Review status: reviewed by expert panel. Criteria: ClinGen InSiGHT HCCP VCEP ACMG Specifications APC V1. Collection method: curation. Allele origin: germline. Inheritance: Autosomal dominant inheritance.
Comment: The NM_000038.6(APC):c.3950A>G variant in APC is a missense variant predicted to cause substitution of Glutamine by Glycine at amino acid 1317 (p.Glu1317Gly). This variant is absent from gnomAD v2.1.1 (PM2_Supporting). APC is defined by the ClinGen InSiGHT Hereditary Colorectal Cancer/Polyposis VCEP (HCCP VCEP) as a gene for which primarily truncating variants are known to cause disease (BP1). The results from multiple in silico splicing predictors support that this variant does not affect splicing. In summary, this variant is a variant of uncertain significance (VUS) for autosomal-dominant inherited FAP based on the ACMG/AMP criteria applied, as specified by the HCCP VCEP: criteria PM2_Supporting and BP1 applied (VCEP specifications version v2.0.3; date of approval 7/24/2023).

Ambry Genetics
Classification: Uncertain significance for Hereditary cancer-predisposing syndrome. Last evaluated: 2025-04-07. Review status: criteria provided, single submitter. Criteria: Ambry Variant Classification Scheme 2023. Collection method: clinical testing. Allele origin: germline. Not counted in ClinVar's aggregate classification.
Comment: The p.E1317G variant (also known as c.3950A>G), located in coding exon 15 of the APC gene, results from an A to G substitution at nucleotide position 3950. The glutamic acid at codon 1317 is replaced by glycine, an amino acid with similar properties. This amino acid position is not well conserved in available vertebrate species. In addition, in silico predictors for this gene do not accurately predict pathogenicity. Missense alterations in APC are not a common cause of disease (Spier I et al. Genet Med. 2024 Feb;26(2):100992). Based on the available evidence, the clinical significance of this variant remains unclear.

Labcorp Genetics (formerly Invitae), Labcorp
Classification: Uncertain significance for Familial adenomatous polyposis 1. Last evaluated: 2023-02-27. Review status: criteria provided, single submitter. Criteria: Invitae Variant Classification Sherloc (09022015). Collection method: clinical testing. Allele origin: germline. Not counted in ClinVar's aggregate classification.
Comment: Advanced modeling of protein sequence and biophysical properties (such as structural, functional, and spatial information, amino acid conservation, physicochemical variation, residue mobility, and thermodynamic stability) performed at Invitae indicates that this missense variant is not expected to disrupt APC protein function. This variant is not present in population databases (gnomAD no frequency). This variant has not been reported in the literature in individuals affected with APC-related conditions. ClinVar contains an entry for this variant (Variation ID: 1319598). In summary, the available evidence is currently insufficient to determine the role of this variant in disease. Therefore, it has been classified as a Variant of Uncertain Significance. This sequence change replaces glutamic acid, which is acidic and polar, with glycine, which is neutral and non-polar, at codon 1317 of the APC protein (p.Glu1317Gly).

Institute for Clinical Genetics, University Hospital TU Dresden, University Hospital TU Dresden
Classification: Uncertain significance. Last evaluated: 2021-11-03. Review status: criteria provided, single submitter. Criteria: ACMG Guidelines, 2015. Collection method: clinical testing. Allele origin: germline. Not counted in ClinVar's aggregate classification.